The following is an entry in ClinVar:

ClinVar aggregate classification (germline): Uncertain significance. Review status: criteria provided, multiple submitters, no conflicts (2 of 4 stars). 2 submissions from 2 submitters: Uncertain significance (2). Last evaluated 2023-12-09.

Conditions:
Noonan syndrome (NS). Also called: Noonan's syndrome. Identifiers: Orphanet 648, MedGen C0028326, MeSH D009634, MONDO:0018997. Disease mechanism: gain of function.

Allele frequency attached by ClinVar (database versions not stated): gnomAD exomes below 0.00001.

Submissions (2):

Labcorp Genetics (formerly Invitae), Labcorp
Classification: Uncertain significance for Noonan syndrome. Last evaluated: 2023-12-09. Review status: criteria provided, single submitter. Criteria: Invitae Variant Classification Sherloc (09022015). Collection method: clinical testing. Allele origin: germline.
Comment: This sequence change replaces valine, which is neutral and non-polar, with methionine, which is neutral and non-polar, at codon 107 of the RRAS protein (p.Val107Met). The frequency data for this variant in the population databases is considered unreliable, as metrics indicate poor data quality at this position in the gnomAD database. This variant has not been reported in the literature in individuals affected with RRAS-related conditions. ClinVar contains an entry for this variant (Variation ID: 2564295). An algorithm developed to predict the effect of missense changes on protein structure and function (PolyPhen-2) suggests that this variant is likely to be disruptive. In summary, the available evidence is currently insufficient to determine the role of this variant in disease. Therefore, it has been classified as a Variant of Uncertain Significance.

Ambry Genetics
Classification: Uncertain significance. Last evaluated: 2023-03-16. Review status: criteria provided, single submitter. Criteria: Ambry Variant Classification Scheme 2023. Collection method: clinical testing. Allele origin: germline.
Comment: The p.V107M variant (also known as c.319G>A), located in coding exon 3 of the RRAS gene, results from a G to A substitution at nucleotide position 319. The valine at codon 107 is replaced by methionine, an amino acid with highly similar properties. This amino acid position is conserved. In addition, this alteration is predicted to be deleterious by in silico analysis. Since supporting evidence is limited at this time, the clinical significance of this alteration remains unclear.

NM_006270.5(RRAS):c.319G>A (p.Val107Met)

Gene: RRAS (RAS related; minus strand). Cytogenetic location: 19q13.33.
Variant type: single nucleotide variant.
Coding change: c.319G>A on transcript NM_006270.5 (MANE Select); coding-DNA position 319, G replaced by A.
Protein change: p.Val107Met; replaces valine 107 with methionine.
Molecular consequence: missense variant.
Genome position (GRCh38, 1-based): chr19:49,636,849, C>T on the plus strand (G>A on the coding strand, the complement: RRAS is on the minus strand). VCF-style: chr19-49636849-C-T. GRCh37 (hg19) VCF-style: chr19-50140106-C-T.
Other names: short protein forms V107M.
Identifiers: ClinVar variation 2564295 (VCV002564295.5), dbSNP rs1341388245, ClinGen allele CA406847101.
Genomic context (GRCh38, chr19:49,636,849, plus strand): 5'-CCACCCACTGCTCCGCCACCAGCAACCCCTGTCACCTCTGCCGGTCGTTAATGGCGAACA[C>T]CAGCAGGAAGCCGTGGCCAGCACGCATGTACTGCTCTCTCATGGCCCCGAACTCTTCCTG-3'
Protein context (NP_006261.1, residues 97-117): YMRAGHGFLL[Val107Met]FAINDRQSFN